The following is an entry in ClinVar:

NM_000732.6(CD3D):c.356C>A (p.Ala119Asp)

Gene: CD3D (CD3 delta subunit of T-cell receptor complex; minus strand). Cytogenetic location: 11q23.3.
Variant type: single nucleotide variant.
Coding change: c.356C>A on transcript NM_000732.6 (MANE Select); coding-DNA position 356, C replaced by A.
Protein change: p.Ala119Asp; replaces alanine 119 with aspartic acid.
Molecular consequence: missense variant. On other transcripts: intron variant (1).
Genome position (GRCh38, 1-based): chr11:118,339,825, G>T on the plus strand (C>A on the coding strand, the complement: CD3D is on the minus strand). VCF-style: chr11-118339825-G-T. GRCh37 (hg19) VCF-style: chr11-118210540-G-T.
Other names: c.275-331C>A (NM_001040651.2); c.356C>A (NM_000732.4); short protein forms A119D.
Identifiers: ClinVar variation 1519670 (VCV001519670.9), dbSNP rs1948284280, ClinGen allele CA382788206.
Genomic context (GRCh38, chr11:118,339,825, plus strand): 5'-TTCCACTAACCCCCAGACAGCCTTCCAGTCTCATGTCCAGCAAAGCAGAAGACTCCCAAA[G>T]CAAGGAGCAGAGTGGCAATGACATCAGTGACAATGATGCCAGCCACGGTGGCTGGATCCA-3'
Protein context (NP_000723.1, residues 109-129): VTDVIATLLL[Ala119Asp]LGVFCFAGHE

ClinVar aggregate classification (germline): Uncertain significance. Review status: criteria provided, multiple submitters, no conflicts (2 of 4 stars). 2 submissions from 2 submitters: Uncertain significance (2). Last evaluated 2025-12-16.

Conditions:
Immunodeficiency 19 (IMD19). Also called: CD3-DELTA DEFICIENCY; SEVERE COMBINED IMMUNODEFICIENCY, T CELL-NEGATIVE, B CELL-POSITIVE, NK CELL-POSITIVE; SCID, T CELL-NEGATIVE, B CELL-POSITIVE, NK CELL-POSITIVE; IMMUNODEFICIENCY 19, SEVERE COMBINED. Identifiers: MedGen C3810147, MONDO:0014280, OMIM 615617.
Inborn genetic diseases. Identifiers: MedGen C0950123, MeSH D030342.

Submissions (2):

Ambry Genetics
Classification: Uncertain significance for Inborn genetic diseases. Last evaluated: 2025-12-16. Review status: criteria provided, single submitter. Criteria: Ambry Variant Classification Scheme 2023. Collection method: clinical testing. Allele origin: germline.

Labcorp Genetics (formerly Invitae), Labcorp
Classification: Uncertain significance for Immunodeficiency 19. Last evaluated: 2021-03-25. Review status: criteria provided, single submitter. Criteria: Invitae Variant Classification Sherloc (09022015). Collection method: clinical testing. Allele origin: germline.
Comment: This variant is not present in population databases (ExAC no frequency). In summary, the available evidence is currently insufficient to determine the role of this variant in disease. Therefore, it has been classified as a Variant of Uncertain Significance. Algorithms developed to predict the effect of missense changes on protein structure and function (SIFT, PolyPhen-2, Align-GVGD) all suggest that this variant is likely to be disruptive, but these predictions have not been confirmed by published functional studies and their clinical significance is uncertain. This variant has not been reported in the literature in individuals with CD3D-related conditions. This sequence change replaces alanine with aspartic acid at codon 119 of the CD3D protein (p.Ala119Asp). The alanine residue is highly conserved and there is a moderate physicochemical difference between alanine and aspartic acid.